The following is an entry in ClinVar:

NM_000548.5(TSC2):c.3094C>T (p.Arg1032Ter)

Gene: TSC2 (TSC complex subunit 2; plus strand). Cytogenetic location: 16p13.3.
Variant type: single nucleotide variant.
Coding change: c.3094C>T on transcript NM_000548.5 (MANE Select); coding-DNA position 3094, C replaced by T.
Protein change: p.Arg1032Ter; replaces arginine 1032 with a stop codon.
Molecular consequence: nonsense.
Genome position (GRCh38, 1-based): chr16:2,079,159, C>T. VCF-style: chr16-2079159-C-T. GRCh37 (hg19) VCF-style: chr16-2129160-C-T.
Other names: c.2962C>T, p.Arg988Ter (NM_001077183.3, NM_001370404.1); c.3094C>T, p.Arg1032Ter (NM_001114382.3); c.2854C>T, p.Arg952Ter (NM_001318827.2); c.2818C>T, p.Arg940Ter (NM_001318829.2); c.2362C>T, p.Arg788Ter (NM_001318831.2); c.2995C>T, p.Arg999Ter (NM_001318832.2); c.2965C>T, p.Arg989Ter (NM_001363528.2, NM_001370405.1, NM_021055.3); c.3094C>T (NM_000548.4); short protein forms R1032*, R788*, R989*, R952*, R999*, R988*, R940*.
Identifiers: ClinVar variation 49240 (VCV000049240.19), dbSNP rs45465195, ClinGen allele CA018490.

ClinVar aggregate classification (germline): Pathogenic. Review status: criteria provided, multiple submitters, no conflicts (2 of 4 stars). 13 submissions from 13 submitters: Pathogenic (11). 2 of the submissions do not count toward it. Last evaluated 2025-11-14.

Conditions:
Lymphangiomyomatosis (LAM). Also called: Lymphangioleiomyomatosis; Lymphangioleiomyomatosis, somatic. Identifiers: Orphanet 538, MedGen C0751674, MONDO:0011705, OMIM 606690.
Tuberous sclerosis 2 (TSC2). Identifiers: Orphanet 805, MedGen C1860707, MONDO:0013199, OMIM 613254.
Isolated focal cortical dysplasia type II (FCORD2). Also called: CORTICAL DYSPLASIA OF TAYLOR; Focal cortical dysplasia type II. Identifiers: Orphanet 268994, MedGen C1846385, MONDO:0011818, OMIM 607341, HP:0032051.
TSC2-related disorder. Also called: TSC2-Related Disorders; TSC2-related condition.
Tuberous sclerosis syndrome (TSC). Also called: Tuberous Sclerosis Complex; Tuberous sclerosis. Identifiers: Orphanet 805, MedGen C0041341, MONDO:0001734.

Submissions (13):

Clinical Genomics Laboratory, Washington University in St. Louis
Classification: Pathogenic for Tuberous sclerosis 2. Last evaluated: 2025-11-14. Review status: criteria provided, single submitter. Criteria: ACMG Guidelines, 2015. Collection method: clinical testing. Allele origin: germline. Affected: yes.
Comment: A TSC2 c.3094C>T (p.Arg1032*) variant was identified at a near-heterozygous allelic fraction of 48.8%, a frequency which may be consistent with it being of germline origin. This variant has been reported in several individuals affected with tuberous sclerosis (Yang H et al., PMID: 25281918; Murphy SJ et al., PMID: 28643793; Reyna-Fabian ME et al., PMID: 32313033; Tyburczy ME et al., PMID:25432535; Jones AC et al., PMID: 10942116; Au KS et al., PMID: 17304050; Dabora SL et al., PMID: 11112665; Jones AC et al., PMID: 10205261) and lymphangioleiomyomatosis (Murphy J et al., PMID: 28643793). It has been reported in the ClinVar database as a germline pathogenic variant by several submitters (Variation ID: 49240). It is absent from the general population (gnomAD v4.1.0), indicating it is not a common variant. This nonsense variant leads to a premature termination codon, which is predicted to lead to nonsense-mediated decay. Based on available information and the ACMG/AMP guidelines for variant interpretation (Richards S et al., PMID: 25741868), this variant is classified as pathogenic.

3billion
Classification: Pathogenic for Tuberous sclerosis 2. Last evaluated: 2025-10-27. Review status: criteria provided, single submitter. Criteria: ACMG Guidelines, 2015. Collection method: clinical testing. Allele origin: germline. Affected: yes.
Comment: The variant is not observed in the gnomAD v4.1.0 dataset. Predicted Consequence/Location: Stop-gained (nonsense): predicted to result in a loss or disruption of normal protein function through nonsense-mediated decay (NMD) or protein truncation. Multiple pathogenic variants are reported downstream of the variant. The variant has been reported at least twice as pathogenic with clinical assertions and evidence for the classification (ClinVar ID: VCV000049240 /PMID: 10942116). Therefore, this variant is classified as Pathogenic according to the recommendation of ACMG/AMP guideline.

Labcorp Genetics (formerly Invitae), Labcorp
Classification: Pathogenic for Tuberous sclerosis 2. Last evaluated: 2025-02-27. Review status: criteria provided, single submitter. Criteria: Invitae Variant Classification Sherloc (09022015). Collection method: clinical testing. Allele origin: germline.
Comment: This sequence change creates a premature translational stop signal (p.Arg1032*) in the TSC2 gene. It is expected to result in an absent or disrupted protein product. Loss-of-function variants in TSC2 are known to be pathogenic (PMID: 10205261, 17304050). This variant is not present in population databases (gnomAD no frequency). This premature translational stop signal has been observed in individual(s) with tuberous sclerosis (PMID: 10942116, 11112665, 21510812). ClinVar contains an entry for this variant (Variation ID: 49240). For these reasons, this variant has been classified as Pathogenic.

Women's Health and Genetics/Laboratory Corporation of America, LabCorp
Classification: Pathogenic for Tuberous sclerosis syndrome. Last evaluated: 2023-08-30. Review status: criteria provided, single submitter. Criteria: LabCorp Variant Classification Summary - May 2015. Collection method: clinical testing. Allele origin: germline.
Comment: Variant summary: TSC2 c.3094C>T (p.Arg1032X) results in a premature termination codon, predicted to cause a truncation of the encoded protein or absence of the protein due to nonsense mediated decay, which are commonly known mechanisms for disease. The variant was absent in 250626 control chromosomes. c.3094C>T has been reported in the literature in individuals affected with Tuberous Sclerosis Complex (e.g. Sudarshan_2021). These data indicate that the variant is likely associated with disease. At least one publication reports experimental evidence evaluating an impact on protein function (e.g. Huynh_2015). A cell line with this variant was reported to result in a loss of TSC2 protein expression compared to cell lines with wild-type TSC2. The following publications have been ascertained in the context of this evaluation (PMID: 25724664, 34849272). Six submitters have cited clinical-significance assessments for this variant to ClinVar after 2014. All submitters classified the variant as pathogenic. Based on the evidence outlined above, the variant was classified as pathogenic.

Department of Pathology and Laboratory Medicine, Sinai Health System
Classification: Pathogenic for Lymphangiomyomatosis; Isolated focal cortical dysplasia type II; Tuberous sclerosis 2. Last evaluated: 2023-03-29. Review status: criteria provided, single submitter. Criteria: ACMG Guidelines, 2015. Collection method: clinical testing. Allele origin: germline. Affected: yes.

Myriad Genetics, Inc.
Classification: Pathogenic for Tuberous sclerosis 2. Last evaluated: 2023-01-17. Review status: criteria provided, single submitter. Criteria: Myriad Autosomal Dominant, Autosomal Recessive and X-Linked Classification Criteria (2023). Collection method: clinical testing. Allele origin: unknown.
Comment: This variant is considered pathogenic. This variant creates a termination codon and is predicted to result in premature protein truncation.

GeneDx
Classification: Pathogenic. Last evaluated: 2022-10-19. Review status: criteria provided, single submitter. Criteria: GeneDx Variant Classification Process June 2021. Collection method: clinical testing. Allele origin: germline. Affected: yes.
Comment: Nonsense variant predicted to result in protein truncation or nonsense mediated decay in a gene for which loss of function is a known mechanism of disease; Not observed at significant frequency in large population cohorts (gnomAD); This variant is associated with the following publications: (PMID: 25525159, 34849272, 25432535, 25281918, 10942116, 23254740, 34403804, 32313033)

Genome-Nilou Lab
Classification: Pathogenic for Tuberous sclerosis 2. Last evaluated: 2021-11-07. Review status: criteria provided, single submitter. Criteria: ACMG Guidelines, 2015. Collection method: clinical testing. Allele origin: germline. Affected: no.

Fulgent Genetics
Classification: Pathogenic for Lymphangiomyomatosis; Isolated focal cortical dysplasia type II; Tuberous sclerosis 2. Last evaluated: 2021-10-18. Review status: criteria provided, single submitter. Criteria: ACMG Guidelines, 2015. Collection method: clinical testing. Allele origin: unknown.

Athena Diagnostics
Classification: Pathogenic. Last evaluated: 2017-05-25. Review status: criteria provided, single submitter. Criteria: Athena Diagnostics Criteria. Collection method: clinical testing. Allele origin: germline.

Kasturba Medical College, Manipal, Kasturba Medical College, Manipal, Manipal Academy of Higher Education, Manipal, India
Classification: Pathogenic for Tuberous sclerosis 2. Review status: criteria provided, single submitter. Criteria: ACMG Guidelines, 2015. Collection method: clinical testing. Allele origin: unknown. Inheritance: Autosomal dominant inheritance. Affected: yes. Observed: 1 heterozygote.

PreventionGenetics, part of Exact Sciences
Classification: Pathogenic for TSC2-related condition. Last evaluated: 2024-08-26. Review status: no assertion criteria provided. Collection method: clinical testing. Allele origin: germline. Not counted in ClinVar's aggregate classification.
Comment: The TSC2 c.3094C>T variant is predicted to result in premature protein termination (p.Arg1032*). This variant has been reported in individuals with Tuberous Sclerosis Complex (Table 1, Jones et al. 2000. PubMed ID: 10942116; Table 1, Yang et al. 2014. PubMed ID: 25281918; Table 1, Reyna-Fabián et al. 2020. PubMed ID: 32313033; Low-level mosaic finding, Bąbol-Pokora et al. 2021. PubMed ID: 34403804). This variant has not been reported in a large population database, indicating this variant is rare. It is interpreted as pathogenic in ClinVar. Nonsense variants in TSC2 are expected to be pathogenic. This variant is interpreted as pathogenic.

Tuberous sclerosis database (TSC2)
No classification provided. Condition: TSC. Review status: no classification provided. Criteria: Tuberous Sclerosis Database Assertion Criteria 2015. Collection method: curation. Allele origin: germline. Affected: yes. Not counted in ClinVar's aggregate classification.

Literature cited by the submitters: PubMed 10942116 (cited by 4 submitters); PubMed 10205261 (cited by Labcorp Genetics (formerly Invitae), Labcorp); PubMed 17304050 (cited by Labcorp Genetics (formerly Invitae), Labcorp and Athena Diagnostics); PubMed 11112665 (cited by 3 submitters); PubMed 21510812 (cited by Labcorp Genetics (formerly Invitae), Labcorp and Department of Pathology and Laboratory Medicine, Sinai Health System); PubMed 25724664 (cited by Women's Health and Genetics/Laboratory Corporation of America, LabCorp); PubMed 34849272 (cited by Women's Health and Genetics/Laboratory Corporation of America, LabCorp); PubMed 25525159 (cited by Athena Diagnostics); PubMed 25281918 (cited by Athena Diagnostics).